The following is an entry in ClinVar:

NM_017763.6(RNF43):c.497G>A (p.Gly166Asp)

Gene: RNF43 (ring finger protein 43; minus strand). Cytogenetic location: 17q22.
Variant type: single nucleotide variant.
Coding change: c.497G>A on transcript NM_017763.6 (MANE Select); coding-DNA position 497, G replaced by A.
Protein change: p.Gly166Asp; replaces glycine 166 with aspartic acid.
Molecular consequence: missense variant.
Genome position (GRCh38, 1-based): chr17:58,363,360, C>T on the plus strand (G>A on the coding strand, the complement: RNF43 is on the minus strand). VCF-style: chr17-58363360-C-T. GRCh37 (hg19) VCF-style: chr17-56440721-C-T.
Other names: c.497G>A, p.Gly166Asp (NM_001305544.3); c.116G>A, p.Gly39Asp (NM_001305545.2); c.497G>A (NM_017763.4); short protein forms G166D, G39D.
Identifiers: ClinVar variation 962064 (VCV000962064.13), dbSNP rs747700626, ClinGen allele CA8673401.

ClinVar aggregate classification (germline): Uncertain significance. Review status: criteria provided, multiple submitters, no conflicts (2 of 4 stars). 5 submissions from 5 submitters: Uncertain significance (5). Last evaluated 2025-11-25.

Conditions:
Sessile serrated polyposis cancer syndrome (SSPCS). Identifiers: Orphanet 157798, MedGen C4310714, MONDO:0014919, OMIM 617108.

Allele frequency attached by ClinVar (database versions not stated): ExAC 0.00001; gnomAD 0.00001 and 0.00008; gnomAD exomes 0.00001; TOPMed 0.00014.
gnomAD v4.1: 23 of 1,613,686 alleles (0.0014%); highest among the groups gnomAD compares: Non-Finnish European, 0.0012%; no homozygotes.

Submissions (5):

Labcorp Genetics (formerly Invitae), Labcorp
Classification: Uncertain significance. Last evaluated: 2025-11-25. Review status: criteria provided, single submitter. Criteria: Invitae Variant Classification Sherloc (09022015). Collection method: clinical testing. Allele origin: germline.
Comment: This sequence change replaces glycine, which is neutral and non-polar, with aspartic acid, which is acidic and polar, at codon 166 of the RNF43 protein (p.Gly166Asp). This variant is present in population databases (rs747700626, gnomAD 0.003%). This variant has not been reported in the literature in individuals affected with RNF43-related conditions. ClinVar contains an entry for this variant (Variation ID: 962064). An algorithm developed to predict the effect of missense changes on protein structure and function outputs the following: PolyPhen-2: "Benign". The aspartic acid amino acid residue is found in multiple mammalian species, which suggests that this missense change does not adversely affect protein function. In summary, the available evidence is currently insufficient to determine the role of this variant in disease. Therefore, it has been classified as a Variant of Uncertain Significance.

Ambry Genetics
Classification: Uncertain significance. Last evaluated: 2024-12-12. Review status: criteria provided, single submitter. Criteria: Ambry Variant Classification Scheme 2023. Collection method: clinical testing. Allele origin: germline.
Comment: The p.G166D variant (also known as c.497G>A), located in coding exon 4 of the RNF43 gene, results from a G to A substitution at nucleotide position 497. The glycine at codon 166 is replaced by aspartic acid, an amino acid with similar properties. This amino acid position is conserved. In addition, this alteration is predicted to be tolerated by in silico analysis. Based on the available evidence, the clinical significance of this variant remains unclear.

Fulgent Genetics
Classification: Uncertain significance for Sessile serrated polyposis cancer syndrome. Last evaluated: 2024-02-26. Review status: criteria provided, single submitter. Criteria: ACMG Guidelines, 2015. Collection method: clinical testing. Allele origin: germline.

GeneDx
Classification: Uncertain significance. Last evaluated: 2023-12-18. Review status: criteria provided, single submitter. Criteria: GeneDx Variant Classification Process June 2021. Collection method: clinical testing. Allele origin: germline. Affected: yes.
Comment: Not observed at significant frequency in large population cohorts (gnomAD); In silico analysis supports that this missense variant has a deleterious effect on protein structure/function; Has not been previously published as pathogenic or benign to our knowledge; Variants in candidate genes are classified as variants of uncertain significance in accordance with ACMG guidelines (PMID: 25741868)

Baylor Genetics
Classification: Uncertain significance for Sessile serrated polyposis cancer syndrome. Last evaluated: 2023-12-05. Review status: criteria provided, single submitter. Criteria: ACMG Guidelines, 2015. Collection method: clinical testing. Allele origin: unknown.